The following is an entry in ClinVar:

ClinVar aggregate classification (germline): Uncertain significance (1 of 4 stars; one submission).

Submission:

Labcorp Genetics (formerly Invitae), Labcorp
Classification: Uncertain significance. Last evaluated: 2023-06-16. Review status: criteria provided, single submitter. Criteria: Invitae Variant Classification Sherloc (09022015). Collection method: clinical testing. Allele origin: germline.
Comment: Advanced modeling of protein sequence and biophysical properties (such as structural, functional, and spatial information, amino acid conservation, physicochemical variation, residue mobility, and thermodynamic stability) performed at Invitae indicates that this missense variant is expected to disrupt SLC12A1 protein function. In summary, the available evidence is currently insufficient to determine the role of this variant in disease. Therefore, it has been classified as a Variant of Uncertain Significance. This sequence change replaces lysine, which is basic and polar, with asparagine, which is neutral and polar, at codon 517 of the SLC12A1 protein (p.Lys517Asn). This variant is not present in population databases (gnomAD no frequency). This variant has not been reported in the literature in individuals affected with SLC12A1-related conditions.

NM_000338.3(SLC12A1):c.1551A>C (p.Lys517Asn)

Gene: SLC12A1 (solute carrier family 12 member 1; plus strand). Cytogenetic location: 15q21.1.
Variant type: single nucleotide variant.
Coding change: c.1551A>C on transcript NM_000338.3 (MANE Select); coding-DNA position 1551, A replaced by C.
Protein change: p.Lys517Asn; replaces lysine 517 with asparagine.
Molecular consequence: missense variant.
Genome position (GRCh38, 1-based): chr15:48,247,007, A>C. VCF-style: chr15-48247007-A-C. GRCh37 (hg19) VCF-style: chr15-48539204-A-C.
Other names: c.1551A>C, p.Lys517Asn (NM_001184832.2, NM_001384136.1); short protein forms K517N.
Identifiers: ClinVar variation 2842684 (VCV002842684.3), dbSNP rs1179189380, ClinGen allele CA392312043.